The following is an entry in ClinVar:

NM_014271.4(IL1RAPL1):c.366_379delinsGTAACAAAG (p.Asn122_Met127delinsLysTer)

Gene: IL1RAPL1 (interleukin 1 receptor accessory protein like 1; plus strand). Cytogenetic location: Xp21.2.
Variant type: Indel.
Coding change: c.366_379delinsGTAACAAAG on transcript NM_014271.4 (MANE Select); coding-DNA positions 366 to 379, CTCCACTTACTGTA replaced by GTAACAAAG.
Protein change: p.Asn122_Met127delinsLysTer.
Molecular consequence: nonsense.
Genome position (GRCh38, 1-based): chrX:29,396,261-29,396,274, CTCCACTTACTGTA replaced by GTAACAAAG. VCF-style: chrX-29396261-CTCCACTTACTGTA-GTAACAAAG. GRCh37 (hg19) VCF-style: chrX-29414378-CTCCACTTACTGTA-GTAACAAAG.
Identifiers: ClinVar variation 2572320 (VCV002572320.1), dbSNP rs2519091663, ClinGen allele CA2580616916.
Genomic context (GRCh38, chrX:29,396,261, plus strand): 5'-GGCAGCACTTGCTTTTTGTTCACACCAGGTCACTGTATTTATTCTGCTTTGTTACAGAAA[CTCCACTTACTGTA>GTAACAAAG]TGAAAGTATCCATCTCACTGACAGTGGGTGAAAATGACACTGGACTCTGCTATAATTCCA-3'

ClinVar aggregate classification (germline): Likely pathogenic (1 of 4 stars; one submission).

Conditions:
Intellectual developmental disorder, X-linked 21. Also called: Intellectual disability, X-linked 21; MENTAL RETARDATION, X-LINKED 34; Mental retardation, X-linked 21/34. Identifiers: Orphanet 777, MedGen C5551510, MONDO:0010256, OMIM 300143.

Submission:

Greenwood Genetic Center Diagnostic Laboratories, Greenwood Genetic Center
Classification: Likely pathogenic for Intellectual developmental disorder, X-linked 21. Last evaluated: 2023-04-11. Review status: criteria provided, single submitter. Criteria: ACMG Guidelines, 2015. Collection method: clinical testing. Allele origin: germline. Affected: yes.
Comment: PVS1, PM2